The following is an entry in ClinVar:

ClinVar aggregate classification (germline): Uncertain significance. Review status: criteria provided, multiple submitters, no conflicts (2 of 4 stars). 2 submissions from 2 submitters: Uncertain significance (2). Last evaluated 2026-06-28.

Conditions:
Nephronophthisis 12 (NPHP12). Identifiers: Orphanet 655, MedGen C3151186, MONDO:0013442, OMIM 613820.
Asphyxiating thoracic dystrophy 4 (SRTD4). Also called: SHORT-RIB THORACIC DYSPLASIA 4 WITH OR WITHOUT POLYDACTYLY; SHORT-RIB THORACIC DYSPLASIA 4. Identifiers: Orphanet 474, MedGen C3151185, MONDO:0013441, OMIM 613819.
TTC21B-related disorder. Also called: TTC21B-related disorders; TTC21B-related condition.

gnomAD v4.1: 1 of 1,585,816 alleles (0.000063%); highest among the groups gnomAD compares: Non-Finnish European, 0.000087%; no homozygotes.

Submissions (2):

PreventionGenetics, part of Exact Sciences
Classification: Uncertain significance for TTC21B-related condition. Last evaluated: 2026-06-28. Review status: criteria provided, single submitter. Criteria: ACMG Guidelines, 2015. Collection method: clinical testing. Allele origin: germline.
Comment: The TTC21B c.3808T>A variant is predicted to result in the amino acid substitution p.Tyr1270Asn. To our knowledge, this variant has not been reported in the literature or in a large population database (gnomAD), indicating this variant is rare. At this time, the clinical significance of this variant is uncertain due to the absence of conclusive functional and genetic evidence.

Fulgent Genetics
Classification: Uncertain significance for Asphyxiating thoracic dystrophy 4; Nephronophthisis 12. Last evaluated: 2024-06-11. Review status: criteria provided, single submitter. Criteria: ACMG Guidelines, 2015. Collection method: clinical testing. Allele origin: germline.

NM_024753.5(TTC21B):c.3808T>A (p.Tyr1270Asn)

Gene: TTC21B (tetratricopeptide repeat domain 21B; minus strand). Cytogenetic location: 2q24.3.
Variant type: single nucleotide variant.
Coding change: c.3808T>A on transcript NM_024753.5 (MANE Select); coding-DNA position 3808, T replaced by A.
Protein change: p.Tyr1270Asn; replaces tyrosine 1270 with asparagine.
Molecular consequence: missense variant.
Genome position (GRCh38, 1-based): chr2:165,876,230, A>T on the plus strand (T>A on the coding strand, the complement: TTC21B is on the minus strand). VCF-style: chr2-165876230-A-T. GRCh37 (hg19) VCF-style: chr2-166732740-A-T.
Other names: c.3808T>A (NM_024753.4); short protein forms Y1270N.
Identifiers: ClinVar variation 3584588 (VCV003584588.2).